The following is an entry in ClinVar:

NM_003245.4(TGM3):c.1801-6C>A

Gene: TGM3 (transglutaminase 3; plus strand). Cytogenetic location: 20p13.
Variant type: single nucleotide variant.
Coding change: c.1801-6C>A on transcript NM_003245.4 (MANE Select); 6 bases into the intron before coding-DNA position 1801, C replaced by A.
Molecular consequence: intron variant.
Genome position (GRCh38, 1-based): chr20:2,339,848, C>A. VCF-style: chr20-2339848-C-A. GRCh37 (hg19) VCF-style: chr20-2320494-C-A.
Other names: NC_000020.10:g.2320494C>A.
Identifiers: ClinVar variation 3057067 (VCV003057067.3), dbSNP rs4097062, ClinGen allele CA9731319.

ClinVar aggregate classification (germline): Benign (0 of 4 stars; one submission).

Conditions:
TGM3-related disorder. Also called: TGM3-related condition.

Allele frequency attached by ClinVar (database versions not stated): ExAC 0.01251; ESP Exome Variant Server 0.04198; TOPMed 0.04436; 1000 Genomes Project 0.04533; 1000 Genomes Project 30x 0.04778.
gnomAD v4.1: 11,703 of 1,613,924 alleles (0.73%); highest among the groups gnomAD compares: African/African-American, 13%; 710 homozygotes.

Submissions (8):

PreventionGenetics, part of Exact Sciences
Classification: Benign for TGM3-related condition. Last evaluated: 2019-02-21. Review status: no assertion criteria provided. Collection method: clinical testing. Allele origin: germline.
Comment: This variant is classified as benign based on ACMG/AMP sequence variant interpretation guidelines (Richards et al. 2015 PMID: 25741868, with internal and published modifications).

Dr. Peter K. Rogan Lab, Western University
No classification provided (evidence only). Condition: Acute myeloid leukemia. Review status: no classification provided. Collection method: in vitro. Allele origin: not applicable. Functional consequence: retained intron. Not counted in ClinVar's aggregate classification.

Dr. Peter K. Rogan Lab, Western University
No classification provided (evidence only). Condition: Acute myeloid leukemia. Review status: no classification provided. Collection method: in vitro. Allele origin: not applicable. Functional consequence: retained intron. Not counted in ClinVar's aggregate classification.

Dr. Peter K. Rogan Lab, Western University
No classification provided (evidence only). Condition: Uterine corpus endometrial carcinoma. Review status: no classification provided. Collection method: in vitro. Allele origin: not applicable. Functional consequence: retained intron. Not counted in ClinVar's aggregate classification.

Dr. Peter K. Rogan Lab, Western University
No classification provided (evidence only). Condition: Uterine corpus endometrial carcinoma. Review status: no classification provided. Collection method: in vitro. Allele origin: not applicable. Functional consequence: retained intron. Not counted in ClinVar's aggregate classification.

Dr. Peter K. Rogan Lab, Western University
No classification provided (evidence only). Condition: Uterine corpus endometrial carcinoma. Review status: no classification provided. Collection method: in vitro. Allele origin: not applicable. Functional consequence: retained intron. Not counted in ClinVar's aggregate classification.

Dr. Peter K. Rogan Lab, Western University
No classification provided (evidence only). Condition: Cholangiocarcinoma. Review status: no classification provided. Collection method: in vitro. Allele origin: not applicable. Functional consequence: retained intron. Not counted in ClinVar's aggregate classification.

Dr. Peter K. Rogan Lab, Western University
No classification provided (evidence only). Condition: Malignant tumor of esophagus. Review status: no classification provided. Collection method: in vitro. Allele origin: not applicable. Functional consequence: retained intron. Not counted in ClinVar's aggregate classification.